The following is an entry in ClinVar:

NM_001042492.3(NF1):c.3673A>G (p.Met1225Val)

Gene: NF1 (neurofibromin 1; plus strand). Cytogenetic location: 17q11.2.
Variant type: single nucleotide variant.
Coding change: c.3673A>G on transcript NM_001042492.3 (MANE Select); coding-DNA position 3673, A replaced by G.
Protein change: p.Met1225Val; replaces methionine 1225 with valine.
Molecular consequence: missense variant.
Genome position (GRCh38, 1-based): chr17:31,233,178, A>G. VCF-style: chr17-31233178-A-G. GRCh37 (hg19) VCF-style: chr17-29560196-A-G.
Other names: c.3673A>G, p.Met1225Val (NM_000267.4); short protein forms M1225V.
Identifiers: ClinVar variation 565922 (VCV000565922.11), dbSNP rs770837892, ClinGen allele CA8486203.
Genomic context (GRCh38, chr17:31,233,178, plus strand): 5'-TTTGAGAGATTGGTGGAACTGGTCACAATGATGGGTGATCAAGGAGAACTCCCTATAGCG[A>G]TGGCTCTGGCCAATGTGGTTCCTTGTTCTCAGTGGGTAAGTGATTAGAGTAAGCGGGGAA-3'
Protein context (NP_001035957.1, residues 1215-1235): MGDQGELPIA[Met1225Val]ALANVVPCSQ

ClinVar aggregate classification (germline): Uncertain significance. Review status: criteria provided, multiple submitters, no conflicts (2 of 4 stars). 4 submissions from 4 submitters: Uncertain significance (4). Last evaluated 2026-01-21.

Conditions:
Hereditary cancer-predisposing syndrome. Also called: Neoplastic Syndromes, Hereditary; Tumor predisposition; Hereditary Cancer Syndrome; Hereditary neoplastic syndrome. Identifiers: Orphanet 140162, MedGen C0027672, MeSH D009386, MONDO:0015356.
Cardiovascular phenotype. Identifiers: MedGen CN230736.
Neurofibromatosis, type 1 (NF1). Also called: VON RECKLINGHAUSEN DISEASE; NEUROFIBROMATOSIS, TYPE I, SOMATIC; Peripheral type neurofibromatosis; Neurofibromatosis, type I. Identifiers: Orphanet 636, MedGen C0027831, MONDO:0018975, OMIM 162200. Disease mechanism: loss of function.

Allele frequency attached by ClinVar (database versions not stated): gnomAD exomes below 0.00001 and 0.00001; ExAC 0.00001.

Submissions (4):

Labcorp Genetics (formerly Invitae), Labcorp
Classification: Uncertain significance for Neurofibromatosis, type 1. Last evaluated: 2026-01-21. Review status: criteria provided, single submitter. Criteria: Invitae Variant Classification Sherloc (09022015). Collection method: clinical testing. Allele origin: germline.
Comment: This sequence change replaces methionine, which is neutral and non-polar, with valine, which is neutral and non-polar, at codon 1225 of the NF1 protein (p.Met1225Val). This variant is present in population databases (rs770837892, gnomAD 0.0009%). This variant has not been reported in the literature in individuals affected with NF1-related conditions. ClinVar contains an entry for this variant (Variation ID: 565922). Invitae Evidence Modeling of protein sequence and biophysical properties (such as structural, functional, and spatial information, amino acid conservation, physicochemical variation, residue mobility, and thermodynamic stability) indicates that this missense variant is expected to disrupt NF1 protein function with a positive predictive value of 95%. In summary, the available evidence is currently insufficient to determine the role of this variant in disease. Therefore, it has been classified as a Variant of Uncertain Significance.

Ambry Genetics
Classification: Uncertain significance for Cardiovascular phenotype; Hereditary cancer-predisposing syndrome. Last evaluated: 2024-09-18. Review status: criteria provided, single submitter. Criteria: Ambry Variant Classification Scheme 2023. Collection method: clinical testing. Allele origin: germline.
Comment: The p.M1225V variant (also known as c.3673A>G), located in coding exon 27 of the NF1 gene, results from an A to G substitution at nucleotide position 3673. The methionine at codon 1225 is replaced by valine, an amino acid with highly similar properties. This amino acid position is highly conserved in available vertebrate species. In addition, this alteration is predicted to be deleterious by in silico analysis. Since supporting evidence is limited at this time, the clinical significance of this alteration remains unclear.

Genome-Nilou Lab
Classification: Uncertain significance for Neurofibromatosis, type 1. Last evaluated: 2022-03-15. Review status: criteria provided, single submitter. Criteria: ACMG Guidelines, 2015. Collection method: clinical testing. Allele origin: germline. Affected: no.

GeneDx
Classification: Uncertain significance. Last evaluated: 2019-11-06. Review status: criteria provided, single submitter. Criteria: GeneDx Variant Classification Process June 2021. Collection method: clinical testing. Allele origin: germline. Affected: yes.
Comment: In silico analysis, which includes protein predictors and evolutionary conservation, supports a deleterious effect; Has not been previously published as pathogenic or benign to our knowledge